The following is an entry in ClinVar:

NM_015692.5(CPAMD8):c.3809C>T (p.Pro1270Leu)

Gene: CPAMD8 (C3 and PZP like alpha-2-macroglobulin domain containing 8; minus strand). Cytogenetic location: 19p13.11.
Variant type: single nucleotide variant.
Coding change: c.3809C>T on transcript NM_015692.5 (MANE Select); coding-DNA position 3809, C replaced by T.
Protein change: p.Pro1270Leu; replaces proline 1270 with leucine.
Molecular consequence: missense variant.
Genome position (GRCh38, 1-based): chr19:16,914,476, G>A on the plus strand (C>T on the coding strand, the complement: CPAMD8 is on the minus strand). VCF-style: chr19-16914476-G-A. GRCh37 (hg19) VCF-style: chr19-17025286-G-A.
Other names: c.3950C>T (NM_015692.2); short protein forms P1270L.
Identifiers: ClinVar variation 2190211 (VCV002190211.5), dbSNP rs756094582, ClinGen allele CA9284835.
Genomic context (GRCh38, chr19:16,914,476, plus strand): 5'-GTACTCACCTCTGAGGCTGTGCCTGTTTCCAGGAGAGCAACCACCACGTAGGCTGTCAGC[G>A]GGACAGTGCCGTGGATCCCACCCTGCAAGGGGACTCACAGGCCTCACCCTAAGCCAAAGG-3'
Protein context (NP_056507.3, residues 1260-1280): DIQGGIHGTV[Pro1270Leu]LTAYVVVALL

ClinVar aggregate classification (germline): Uncertain significance. Review status: criteria provided, multiple submitters, no conflicts (2 of 4 stars). 2 submissions from 2 submitters: Uncertain significance (2). Last evaluated 2024-06-26.

Conditions:
Inborn genetic diseases. Identifiers: MedGen C0950123, MeSH D030342.

Allele frequency attached by ClinVar (database versions not stated): ExAC 0.00007; TOPMed 0.00009; 1000 Genomes Project 30x 0.00016.
gnomAD v4.1: 211 of 1,614,154 alleles (0.013%); highest among the groups gnomAD compares: Admixed American, 0.02%; no homozygotes.

Submissions (2):

Ambry Genetics
Classification: Uncertain significance for Inborn genetic diseases. Last evaluated: 2024-06-26. Review status: criteria provided, single submitter. Criteria: Ambry Variant Classification Scheme 2023. Collection method: clinical testing. Allele origin: germline.

Labcorp Genetics (formerly Invitae), Labcorp
Classification: Uncertain significance. Last evaluated: 2022-08-12. Review status: criteria provided, single submitter. Criteria: Invitae Variant Classification Sherloc (09022015). Collection method: clinical testing. Allele origin: germline.
Comment: Algorithms developed to predict the effect of missense changes on protein structure and function are either unavailable or do not agree on the potential impact of this missense change (SIFT: "Tolerated"; PolyPhen-2: "Possibly Damaging"; Align-GVGD: "Class C0"). This variant has not been reported in the literature in individuals affected with CPAMD8-related conditions. This variant is present in population databases (rs756094582, gnomAD 0.03%). This sequence change replaces proline, which is neutral and non-polar, with leucine, which is neutral and non-polar, at codon 1317 of the CPAMD8 protein (p.Pro1317Leu). In summary, the available evidence is currently insufficient to determine the role of this variant in disease. Therefore, it has been classified as a Variant of Uncertain Significance.